The following is an entry in ClinVar:

NM_002529.4(NTRK1):c.602C>A (p.Pro201His)

Gene: NTRK1 (neurotrophic receptor tyrosine kinase 1; plus strand). Cytogenetic location: 1q23.1.
Variant type: single nucleotide variant.
Coding change: c.602C>A on transcript NM_002529.4 (MANE Select); coding-DNA position 602, C replaced by A.
Protein change: p.Pro201His; replaces proline 201 with histidine.
Molecular consequence: missense variant.
Genome position (GRCh38, 1-based): chr1:156,868,532, C>A. VCF-style: chr1-156868532-C-A. GRCh37 (hg19) VCF-style: chr1-156838324-C-A.
Other names: c.512C>A, p.Pro171His (NM_001007792.1); c.602C>A, p.Pro201His (NM_001012331.2); c.602C>A (NM_002529.3); short protein forms P171H, P201H.
Identifiers: ClinVar variation 654141 (VCV000654141.19), dbSNP rs146201511, ClinGen allele CA1169054.

ClinVar aggregate classification (germline): Conflicting classifications of pathogenicity. Review status: criteria provided, conflicting classifications (1 of 4 stars). 5 submissions from 5 submitters: Uncertain significance (1); Likely benign (3). 1 of the submissions does not count toward it. Last evaluated 2026-01-16.

Conditions:
Inborn genetic diseases. Identifiers: MedGen C0950123, MeSH D030342.
Hereditary insensitivity to pain with anhidrosis (CIPA). Also called: NTRK1 Congenital Insensitivity to Pain with Anhidrosis; HSAN Type IV; FAMILIAL DYSAUTONOMIA, TYPE II; hereditary sensory and autonomic neuropathy type 4; INSENSITIVITY TO PAIN, CONGENITAL, WITH ANHIDROSIS; NEUROPATHY, CONGENITAL SENSORY, WITH ANHIDROSIS. Identifiers: Orphanet 642, MedGen C0020074, MONDO:0009746, OMIM 256800.
NTRK1-related disorder. Also called: NTRK1-related condition.

Allele frequency attached by ClinVar (database versions not stated): gnomAD exomes 0.00010; 1000 Genomes Project 0.00020; ExAC 0.00024; 1000 Genomes Project 30x 0.00031; TOPMed 0.00056; gnomAD 0.00061; ESP Exome Variant Server 0.00077.
gnomAD v4.1: 138 of 1,559,254 alleles (0.0089%); highest among the groups gnomAD compares: African/African-American, 0.17%; no homozygotes.

Submissions (5):

Labcorp Genetics (formerly Invitae), Labcorp
Classification: Likely benign for Hereditary insensitivity to pain with anhidrosis. Last evaluated: 2026-01-16. Review status: criteria provided, single submitter. Criteria: Invitae Variant Classification Sherloc (09022015). Collection method: clinical testing. Allele origin: germline.

PreventionGenetics, part of Exact Sciences
Classification: Likely benign for NTRK1-related condition. Last evaluated: 2025-04-04. Review status: criteria provided, single submitter. Criteria: ACMG Guidelines, 2015. Collection method: clinical testing. Allele origin: germline.
Comment: This variant is classified as likely benign based on ACMG/AMP sequence variant interpretation guidelines (Richards et al. 2015 PMID: 25741868, with internal and published modifications).

Ambry Genetics
Classification: Likely benign for Inborn genetic diseases. Last evaluated: 2024-01-24. Review status: criteria provided, single submitter. Criteria: Ambry Variant Classification Scheme 2023. Collection method: clinical testing. Allele origin: germline.

ARUP Laboratories, Molecular Genetics and Genomics, ARUP Laboratories
Classification: Uncertain significance for Hereditary insensitivity to pain with anhidrosis. Last evaluated: 2021-01-25. Review status: criteria provided, single submitter. Criteria: ARUP Molecular Germline Variant Investigation Process 2021. Collection method: clinical testing. Allele origin: germline.
Comment: The NTRK1 c.602C>A; p.Pro201His variant (rs146201511), to our knowledge, is not reported in the medical literature but is reported in ClinVar (Variation ID: 654141). This variant is found in the African population with an overall allele frequency of 0.19% (35/18374 alleles) in the Genome Aggregation Database. The proline at codon 201 is highly conserved, but computational analyses predict that this variant is neutral (REVEL: 0.08). Given the lack of clinical and functional data, the significance of the p.Pro201His variant is uncertain at this time.

Natera, Inc.
Classification: Uncertain significance for Hereditary insensitivity to pain with anhidrosis. Last evaluated: 2020-04-17. Review status: no assertion criteria provided. Collection method: clinical testing. Allele origin: germline. Not counted in ClinVar's aggregate classification.